The following is an entry in ClinVar:

NM_001374828.1(ARID1B):c.3681C>T (p.Tyr1227=)

Gene: ARID1B (AT-rich interaction domain 1B; plus strand). Cytogenetic location: 6q25.3.
Variant type: single nucleotide variant.
Coding change: c.3681C>T on transcript NM_001374828.1 (MANE Select); coding-DNA position 3681, C replaced by T.
Protein change: p.Tyr1227=; no amino-acid change (tyrosine 1227 retained).
Molecular consequence: synonymous variant.
Genome position (GRCh38, 1-based): chr6:157,181,145, C>T. VCF-style: chr6-157181145-C-T. GRCh37 (hg19) VCF-style: chr6-157502279-C-T.
Other names: c.3312C>T, p.Tyr1104= (NM_020732.3); c.1182C>T, p.Tyr394= (NM_001363725.2); c.3561C>T, p.Tyr1187= (NM_001371656.1, NM_001374820.1); c.3522C>T, p.Tyr1174= (NM_017519.3).
Identifiers: ClinVar variation 210282 (VCV000210282.46), dbSNP rs61736269, ClinGen allele CA206642.

ClinVar aggregate classification (germline): Benign/Likely benign. Review status: criteria provided, multiple submitters, no conflicts (2 of 4 stars). 9 submissions from 9 submitters: Benign (3); Likely benign (5). 1 of the submissions does not count toward it. Last evaluated 2026-01-16.

Conditions:
ARID1B-Related Disorder. Identifiers: MedGen CN381337.
Coffin-Siris syndrome 1 (CSS1). Also called: ARID1B-Related Coffin-Siris Syndrome; Mental retardation, autosomal dominant 12. Identifiers: Orphanet 1465, MedGen C3281201, MONDO:0007617, OMIM 135900. Disease mechanism: gain of function.
Inborn genetic diseases. Identifiers: MedGen C0950123, MeSH D030342.

Allele frequency attached by ClinVar (database versions not stated): 1000 Genomes Project 0.00220; ESP Exome Variant Server 0.00223; gnomAD exomes 0.00016 and 0.00051; ExAC 0.00064; gnomAD 0.00176 and 0.00189; TOPMed 0.00200; 1000 Genomes Project 30x 0.00219.
gnomAD v4.1: 525 of 1,614,190 alleles (0.033%); highest among the groups gnomAD compares: African/African-American, 0.63%; no homozygotes.

Submissions (9):

Labcorp Genetics (formerly Invitae), Labcorp
Classification: Benign. Last evaluated: 2026-01-16. Review status: criteria provided, single submitter. Criteria: Invitae Variant Classification Sherloc (09022015). Collection method: clinical testing. Allele origin: germline.

Blueprint Genetics
Classification: Likely benign. Last evaluated: 2024-10-07. Review status: criteria provided, single submitter. Criteria: ACMG Guidelines, 2015. Collection method: clinical testing. Allele origin: germline.

CeGaT Center for Human Genetics Tuebingen
Classification: Likely benign. Last evaluated: 2024-02-01. Review status: criteria provided, single submitter. Criteria: CeGaT Center For Human Genetics Tuebingen Variant Classification Criteria Version 2. Collection method: clinical testing. Allele origin: germline. Affected: yes. Observed: 2 variant alleles.
Comment: ARID1B: BP4, BP7, BS1

Genome-Nilou Lab
Classification: Benign for Coffin-Siris syndrome 1. Last evaluated: 2021-07-15. Review status: criteria provided, single submitter. Criteria: ACMG Guidelines, 2015. Collection method: clinical testing. Allele origin: germline. Affected: no.

GeneDx
Classification: Benign. Last evaluated: 2020-02-14. Review status: criteria provided, single submitter. Criteria: GeneDx Variant Classification Process June 2021. Collection method: clinical testing. Allele origin: germline. Affected: yes.

Ambry Genetics
Classification: Likely benign for Inborn genetic diseases. Last evaluated: 2017-02-10. Review status: criteria provided, single submitter. Criteria: Ambry Variant Classification Scheme 2023. Collection method: clinical testing. Allele origin: germline.

Genetic Services Laboratory, University of Chicago
Classification: Likely benign. Last evaluated: 2015-06-25. Review status: criteria provided, single submitter. Criteria: ACMG Guidelines, 2015. Collection method: clinical testing. Allele origin: germline.

Breakthrough Genomics
Classification: Likely benign. Review status: criteria provided, single submitter. Criteria: ACMG Guidelines, 2015. Collection method: not provided. Allele origin: germline. Inheritance: Autosomal dominant inheritance. Affected: yes.

PreventionGenetics, part of Exact Sciences
Classification: Benign for ARID1B-related condition. Last evaluated: 2020-01-20. Review status: no assertion criteria provided. Collection method: clinical testing. Allele origin: germline. Not counted in ClinVar's aggregate classification.
Comment: This variant is classified as benign based on ACMG/AMP sequence variant interpretation guidelines (Richards et al. 2015 PMID: 25741868, with internal and published modifications).